The following is an entry in ClinVar:

ClinVar aggregate classification (germline): Uncertain significance. Review status: criteria provided, multiple submitters, no conflicts (2 of 4 stars). 3 submissions from 3 submitters: Uncertain significance (3). Last evaluated 2025-09-28.

Conditions:
Inborn genetic diseases. Identifiers: MedGen C0950123, MeSH D030342.
TH-deficient dopa-responsive dystonia. Also called: Tyrosine Hydroxylase-Deficient Dopa-Responsive Dystonia; Segawa syndrome, autosomal recessive; DYT-TH. Identifiers: Orphanet 101150, MedGen C2673535, MONDO:0011551, OMIM 605407.

Allele frequency attached by ClinVar (database versions not stated): TOPMed 0.00002; ExAC 0.00004; ESP Exome Variant Server 0.00008; gnomAD 0.00001.
gnomAD v4.1: 60 of 1,548,200 alleles (0.0039%); highest among the groups gnomAD compares: East Asian, 0.0096%; no homozygotes.

Submissions (3):

Ambry Genetics
Classification: Uncertain significance for Inborn genetic diseases. Last evaluated: 2025-09-28. Review status: criteria provided, single submitter. Criteria: Ambry Variant Classification Scheme 2023. Collection method: clinical testing. Allele origin: germline.

GeneDx
Classification: Uncertain significance. Last evaluated: 2025-06-04. Review status: criteria provided, single submitter. Criteria: GeneDx Variant Classification Process June 2021. Collection method: clinical testing. Allele origin: germline.
Comment: In silico analysis suggests that this missense variant does not alter protein structure/function; Has not been previously published as pathogenic or benign to our knowledge

Labcorp Genetics (formerly Invitae), Labcorp
Classification: Uncertain significance for TH-deficient dopa-responsive dystonia. Last evaluated: 2022-05-20. Review status: criteria provided, single submitter. Criteria: Invitae Variant Classification Sherloc (09022015). Collection method: clinical testing. Allele origin: germline.
Comment: This sequence change replaces aspartic acid, which is acidic and polar, with asparagine, which is neutral and polar, at codon 491 of the TH protein (p.Asp491Asn). This variant is present in population databases (rs374629948, gnomAD 0.01%). This variant has not been reported in the literature in individuals affected with TH-related conditions. Advanced modeling of protein sequence and biophysical properties (such as structural, functional, and spatial information, amino acid conservation, physicochemical variation, residue mobility, and thermodynamic stability) performed at Invitae indicates that this missense variant is not expected to disrupt TH protein function. In summary, the available evidence is currently insufficient to determine the role of this variant in disease. Therefore, it has been classified as a Variant of Uncertain Significance.

NM_000360.4(TH):c.1378G>A (p.Asp460Asn)

Gene: TH (tyrosine hydroxylase; minus strand). Cytogenetic location: 11p15.5.
Variant type: single nucleotide variant.
Coding change: c.1378G>A on transcript NM_000360.4 (MANE Select); coding-DNA position 1378, G replaced by A.
Protein change: p.Asp460Asn; replaces aspartic acid 460 with asparagine.
Molecular consequence: missense variant.
Genome position (GRCh38, 1-based): chr11:2,164,349, C>T on the plus strand (G>A on the coding strand, the complement: TH is on the minus strand). VCF-style: chr11-2164349-C-T. GRCh37 (hg19) VCF-style: chr11-2185579-C-T.
Other names: c.1471G>A (NM_199292.2); c.1471G>A, p.Asp491Asn (NM_199292.3); c.1459G>A, p.Asp487Asn (NM_199293.3); short protein forms D487N, D460N, D491N.
Identifiers: ClinVar variation 2187681 (VCV002187681.4), dbSNP rs374629948, ClinGen allele CA5818260.